The following is an entry in ClinVar:

ClinVar aggregate classification (germline): Uncertain significance. Review status: criteria provided, single submitter (1 of 4 stars). 2 submissions from 2 submitters: Uncertain significance (1). 1 of the submissions does not count toward it. Last evaluated 2025-08-09.

Conditions:
NCOA1-related disorder. Also called: NCOA1-related condition.

gnomAD v4.1: 2 of 1,597,768 alleles (0.00013%); highest among the groups gnomAD compares: Admixed American, 0.0034%; no homozygotes.

Submissions (2):

Ambry Genetics
Classification: Uncertain significance. Last evaluated: 2025-08-09. Review status: criteria provided, single submitter. Criteria: Ambry Variant Classification Scheme 2023. Collection method: clinical testing. Allele origin: germline.

PreventionGenetics, part of Exact Sciences
Classification: Uncertain significance for NCOA1-related condition. Last evaluated: 2024-06-13. Review status: no assertion criteria provided. Collection method: clinical testing. Allele origin: germline. Not counted in ClinVar's aggregate classification.
Comment: The NCOA1 c.2600G>T variant is predicted to result in the amino acid substitution p.Arg867Ile. To our knowledge, this variant has not been reported in the literature. This variant is reported in 0.0031% of alleles in individuals of Latino descent in gnomAD. At this time, the clinical significance of this variant is uncertain due to the absence of conclusive functional and genetic evidence.

NM_003743.5(NCOA1):c.2600G>T (p.Arg867Ile)

Gene: NCOA1 (nuclear receptor coactivator 1; plus strand). Cytogenetic location: 2p23.3.
Variant type: single nucleotide variant.
Coding change: c.2600G>T on transcript NM_003743.5 (MANE Select); coding-DNA position 2600, G replaced by T.
Protein change: p.Arg867Ile; replaces arginine 867 with isoleucine.
Molecular consequence: missense variant.
Genome position (GRCh38, 1-based): chr2:24,726,589, G>T. VCF-style: chr2-24726589-G-T. GRCh37 (hg19) VCF-style: chr2-24949458-G-T.
Other names: c.2600G>T, p.Arg867Ile (NM_001362954.1, NM_001362955.1, NM_147223.3 and 3 more transcripts); short protein forms R867I.
Identifiers: ClinVar variation 3349334 (VCV003349334.2).